The following is an entry in ClinVar:

NM_014112.5(TRPS1):c.35C>T (p.Thr12Ile)

Gene: TRPS1 (transcriptional repressor GATA binding 1; minus strand). Cytogenetic location: 8q23.3.
Variant type: single nucleotide variant.
Coding change: c.35C>T on transcript NM_014112.5 (MANE Select); coding-DNA position 35, C replaced by T.
Protein change: p.Thr12Ile; replaces threonine 12 with isoleucine.
Molecular consequence: missense variant. On other transcripts: intron variant (3).
Genome position (GRCh38, 1-based): chr8:115,623,603, G>A on the plus strand (C>T on the coding strand, the complement: TRPS1 is on the minus strand). VCF-style: chr8-115623603-G-A. GRCh37 (hg19) VCF-style: chr8-116635830-G-A.
Other names: c.-2-3543C>T (NM_001330599.2); c.16+12C>T (NM_001282903.3); c.11-3543C>T (NM_001282902.3); short protein forms T12I.
Identifiers: ClinVar variation 3754504 (VCV003754504.2).

ClinVar aggregate classification (germline): Uncertain significance (1 of 4 stars; one submission).

Conditions:
Trichorhinophalangeal dysplasia type I (TRPS1). Also called: TRICHORHINOPHALANGEAL SYNDROME, TYPE I; TRPS I. Identifiers: Orphanet 77258, MedGen C0432233, MONDO:0008596, OMIM 190350.
Trichorhinophalangeal syndrome, type III (TRPS3). Also called: SUGIO-KAJII SYNDROME. Identifiers: Orphanet 77258, MedGen C1860823, OMIM 190351, MONDO:0008597.

gnomAD v4.1: 1 of 1,612,110 alleles (0.000062%); highest among the groups gnomAD compares: Non-Finnish European, 0.000085%; no homozygotes.

Submission:

Labcorp Genetics (formerly Invitae), Labcorp
Classification: Uncertain significance for Trichorhinophalangeal syndrome, type III; Trichorhinophalangeal dysplasia type I. Last evaluated: 2024-02-07. Review status: criteria provided, single submitter. Criteria: Invitae Variant Classification Sherloc (09022015). Collection method: clinical testing. Allele origin: germline.
Comment: This sequence change replaces threonine, which is neutral and polar, with isoleucine, which is neutral and non-polar, at codon 12 of the TRPS1 protein (p.Thr12Ile). This variant is not present in population databases (gnomAD no frequency). This variant has not been reported in the literature in individuals affected with TRPS1-related conditions. An algorithm developed to predict the effect of missense changes on protein structure and function (PolyPhen-2) suggests that this variant is likely to be tolerated. In summary, the available evidence is currently insufficient to determine the role of this variant in disease. Therefore, it has been classified as a Variant of Uncertain Significance.